The following is an entry in ClinVar:

ClinVar aggregate classification (germline): Pathogenic (1 of 4 stars; one submission).

Conditions:
Hypohidrotic X-linked ectodermal dysplasia (XHED). Also called: ECTODERMAL DYSPLASIA 1; Ectodermal Dysplasia 1, Anhidrotic; ECTODERMAL DYSPLASIA, HYPOHIDROTIC, 1; CST SYNDROME; Anhidrotic ectodermal dysplasia X-linked; Christ Siemens Touraine syndrome. Identifiers: Orphanet 181, Orphanet 238468, MedGen C0162359, MONDO:0010585, OMIM 305100.

Submission:

Labcorp Genetics (formerly Invitae), Labcorp
Classification: Pathogenic for Hypohidrotic X-linked ectodermal dysplasia. Last evaluated: 2022-03-31. Review status: criteria provided, single submitter. Criteria: Invitae Variant Classification Sherloc (09022015). Collection method: clinical testing. Allele origin: unknown.
Comment: For these reasons, this variant has been classified as Pathogenic. A similar copy number variant has been observed in individual(s) with ectodermal dysplasia (PMID: 11378824). A gross deletion of the genomic region encompassing the full coding sequence of the EDA gene has been identified. Loss-of-function variants in EDA are known to be pathogenic (PMID: 9683615). The boundaries of this event are unknown as they extend beyond the assayed region for this gene and therefore may encompass additional genes.

Literature cited by the submitters: PubMed 11378824; PubMed 9683615.

NC_000023.10:g.(?_68836153)_(69255459_?)del

Gene: EDA (ectodysplasin A; plus strand). Cytogenetic location: Xq13.1.
Variant type: Deletion.
Identifiers: ClinVar variation 3243814 (VCV003243814.1).